The following is an entry in ClinVar:

NM_032242.4(PLXNA1):c.4363-5C>T

Gene: PLXNA1 (plexin A1; plus strand). Cytogenetic location: 3q21.3.
Variant type: single nucleotide variant.
Coding change: c.4363-5C>T on transcript NM_032242.4 (MANE Select); 5 bases into the intron before coding-DNA position 4363, C replaced by T.
Molecular consequence: intron variant.
Genome position (GRCh38, 1-based): chr3:127,027,935, C>T. VCF-style: chr3-127027935-C-T. GRCh37 (hg19) VCF-style: chr3-126746778-C-T.
Identifiers: ClinVar variation 3046304 (VCV003046304.2), dbSNP rs779675244, ClinGen allele CA2594365.
Genomic context (GRCh38, chr3:127,027,935, plus strand): 5'-TGGAGGGGCAGGTTGGGGGTAGGCCCGGGGGTCCTGGCTGCAGCCTCATGCCGCCACCCC[C>T]GCAGGAGTGCGCTGGGGAGCCGCTGTTCATGCTGTACTGCGCCATCAAGCAGCAGATGGA-3'

ClinVar aggregate classification (germline): Likely benign (0 of 4 stars; one submission).

Conditions:
PLXNA1-related disorder. Also called: PLXNA1-related condition.

Allele frequency attached by ClinVar (database versions not stated): gnomAD 0.00003; ExAC 0.00004; gnomAD exomes 0.00006; TOPMed 0.00006.
gnomAD v4.1: 98 of 1,613,026 alleles (0.0061%); highest among the groups gnomAD compares: Non-Finnish European, 0.0071%; no homozygotes.

Submission:

PreventionGenetics, part of Exact Sciences
Classification: Likely benign for PLXNA1-related condition. Last evaluated: 2022-03-23. Review status: no assertion criteria provided. Collection method: clinical testing. Allele origin: germline.
Comment: This variant is classified as likely benign based on ACMG/AMP sequence variant interpretation guidelines (Richards et al. 2015 PMID: 25741868, with internal and published modifications).